The following is an entry in ClinVar:

ClinVar aggregate classification (germline): Uncertain significance (1 of 4 stars; one submission).

gnomAD v4.1: 2 of 1,614,208 alleles (0.00012%); highest among the groups gnomAD compares: African/African-American, 0.0027%; no homozygotes.

Submission:

Labcorp Genetics (formerly Invitae), Labcorp
Classification: Uncertain significance. Last evaluated: 2023-10-05. Review status: criteria provided, single submitter. Criteria: Invitae Variant Classification Sherloc (09022015). Collection method: clinical testing. Allele origin: germline.
Comment: This sequence change replaces glycine, which is neutral and non-polar, with arginine, which is basic and polar, at codon 499 of the ATRIP protein (p.Gly499Arg). This variant is not present in population databases (gnomAD no frequency). This variant has not been reported in the literature in individuals affected with ATRIP-related conditions. Algorithms developed to predict the effect of missense changes on protein structure and function output the following: SIFT: "Not Available"; PolyPhen-2: "Benign"; Align-GVGD: "Not Available". The arginine amino acid residue is found in multiple mammalian species, which suggests that this missense change does not adversely affect protein function. In summary, the available evidence is currently insufficient to determine the role of this variant in disease. Therefore, it has been classified as a Variant of Uncertain Significance.

NM_130384.3(ATRIP):c.1495G>C (p.Gly499Arg)

Genes: ATRIP (ATR interacting protein; plus strand), ATRIP-TREX1 (ATRIP-TREX1 readthrough; plus strand). Cytogenetic location: 3p21.31.
Variant type: single nucleotide variant.
Coding change: c.1495G>C on transcript NM_130384.3 (MANE Select); coding-DNA position 1495, G replaced by C.
Protein change: p.Gly499Arg; replaces glycine 499 with arginine.
Molecular consequence: missense variant. On other transcripts: non-coding transcript variant (1).
Genome position (GRCh38, 1-based): chr3:48,460,549, G>C. VCF-style: chr3-48460549-G-C. GRCh37 (hg19) VCF-style: chr3-48501948-G-C.
Other names: c.1114G>C, p.Gly372Arg (NM_001271022.2); c.1216G>C, p.Gly406Arg (NM_001271023.2); c.1495G>C, p.Gly499Arg (NM_032166.4); short protein forms G372R, G406R, G499R.
Identifiers: ClinVar variation 2875919 (VCV002875919.3), dbSNP rs2529989761, ClinGen allele CA352725564.
Genomic context (GRCh38, chr3:48,460,549, plus strand): 5'-CTTAGCATTCTTCAGCACCTGGTGTGCCACAGCGGAGCAGTCGTCTCCCTATTACTGTCA[G>C]GAGTGGGGGCAGATTCTGCTGCTGGGGAAGGAAACAGGAGCCTGGTTCACAGGCTTAGTG-3'
Protein context (NP_569055.1, residues 489-509): SGAVVSLLLS[Gly499Arg]VGADSAAGEG